The following is an entry in ClinVar:

NM_001083961.2(WDR62):c.3035C>T (p.Pro1012Leu)

Gene: WDR62 (WD repeat domain 62; plus strand). Cytogenetic location: 19q13.12.
Variant type: single nucleotide variant.
Coding change: c.3035C>T on transcript NM_001083961.2 (MANE Select); coding-DNA position 3035, C replaced by T.
Protein change: p.Pro1012Leu; replaces proline 1012 with leucine.
Molecular consequence: missense variant.
Genome position (GRCh38, 1-based): chr19:36,101,727, C>T. VCF-style: chr19-36101727-C-T. GRCh37 (hg19) VCF-style: chr19-36592629-C-T.
Other names: c.3035C>T, p.Pro1012Leu (NM_173636.5); short protein forms P1012L.
Identifiers: ClinVar variation 1304807 (VCV001304807.6), dbSNP rs1006271908, ClinGen allele CA307841903.

ClinVar aggregate classification (germline): Uncertain significance. Review status: criteria provided, multiple submitters, no conflicts (2 of 4 stars). 2 submissions from 2 submitters: Uncertain significance (2). Last evaluated 2025-07-01.

Conditions:
Inborn genetic diseases. Identifiers: MedGen C0950123, MeSH D030342.

Allele frequency attached by ClinVar (database versions not stated): gnomAD 0.00015 and 0.00014; gnomAD exomes 0.00006 and 0.00017; TOPMed 0.00014.
gnomAD v4.1: 256 of 1,551,750 alleles (0.016%); highest among the groups gnomAD compares: Non-Finnish European, 0.021%; no homozygotes.

Submissions (2):

GeneDx
Classification: Uncertain significance. Last evaluated: 2025-07-01. Review status: criteria provided, single submitter. Criteria: GeneDx Variant Classification Process June 2021. Collection method: clinical testing. Allele origin: germline. Affected: yes.
Comment: Not observed at significant frequency in large population cohorts (gnomAD); In silico analysis suggests that this missense variant does not alter protein structure/function; Has not been previously published as pathogenic or benign to our knowledge

Ambry Genetics
Classification: Uncertain significance for Inborn genetic diseases. Last evaluated: 2024-11-27. Review status: criteria provided, single submitter. Criteria: Ambry Variant Classification Scheme 2023. Collection method: clinical testing. Allele origin: germline.